The following is an entry in ClinVar:

NM_020774.4(MIB1):c.2827G>T (p.Val943Phe)

Gene: MIB1 (MIB E3 ubiquitin protein ligase 1; plus strand). Cytogenetic location: 18q11.2.
Variant type: single nucleotide variant.
Coding change: c.2827G>T on transcript NM_020774.4 (MANE Select); coding-DNA position 2827, G replaced by T.
Protein change: p.Val943Phe; replaces valine 943 with phenylalanine.
Molecular consequence: missense variant.
Genome position (GRCh38, 1-based): chr18:21,858,593, G>T. VCF-style: chr18-21858593-G-T. GRCh37 (hg19) VCF-style: chr18-19438554-G-T.
Other names: short protein forms V943F.
Identifiers: ClinVar variation 40091 (VCV000040091.49), dbSNP rs200035428, ClinGen allele CA130740.

ClinVar aggregate classification (germline): Conflicting classifications of pathogenicity. Review status: criteria provided, conflicting classifications (1 of 4 stars). 5 submissions from 5 submitters: Pathogenic (1); Uncertain significance (3). 1 of the submissions does not count toward it. Last evaluated 2024-07-22.

Conditions:
MIB1-related disorder. Also called: MIB1-related condition.
Left ventricular noncompaction 7 (LVNC7). Identifiers: Orphanet 54260, MedGen C3554496, MONDO:0014042, OMIM 615092.

Allele frequency attached by ClinVar (database versions not stated): TOPMed 0.00009; gnomAD exomes 0.00010 and 0.00016; gnomAD 0.00013 and 0.00014; ExAC 0.00014; 1000 Genomes Project 0.00020; ESP Exome Variant Server 0.00023; 1000 Genomes Project 30x 0.00031.
gnomAD v4.1: 161 of 1,603,962 alleles (0.01%); highest among the groups gnomAD compares: Admixed American, 0.055%; 1 homozygote.

Submissions (5):

GeneDx
Classification: Uncertain significance. Last evaluated: 2024-07-22. Review status: criteria provided, single submitter. Criteria: GeneDx Variant Classification Process June 2021. Collection method: clinical testing. Allele origin: germline. Affected: yes.
Comment: Identified in patients with LVNC or DCM in published literature ; several patients also harbored additional cardiogenetic variants (PMID: 23314057, 30847666, 33662488, 36325906); Published functional studies using a mouse model suggest that mice expressing the p.(V943F) allele develop biscupid aortic valve (BAV) in a NOTCH-sensitized genetic background and their embryonic myocardium displays LVNC features (PMID: 36325906); Published functional studies suggest reduced signaling (PMID: 23314057); In silico analysis indicates that this missense variant does not alter protein structure/function; This variant is associated with the following publications: (PMID: 27285058, 27260948, 34426522, 33443154, 33662488, 31629663, 36325906, 23314057, 30847666)

Fulgent Genetics
Classification: Uncertain significance for Left ventricular noncompaction 7. Last evaluated: 2024-03-25. Review status: criteria provided, single submitter. Criteria: ACMG Guidelines, 2015. Collection method: clinical testing. Allele origin: germline.

PreventionGenetics, part of Exact Sciences
Classification: Uncertain significance for MIB1-related condition. Last evaluated: 2022-11-01. Review status: criteria provided, single submitter. Criteria: ACMG Guidelines, 2015. Collection method: clinical testing. Allele origin: germline.
Comment: The MIB1 c.2827G>T variant is predicted to result in the amino acid substitution p.Val943Phe. This variant has been reported to segregate in a three generation pedigree with six individuals with left ventricular noncompaction (Luxán et al. 2013. PubMed ID: 23314057). This variant was also reported in individuals with dilated cardiomyopathy (Supplementary file 2, van Lint et al. 2019. PubMed ID: 30847666; Table S6, Alimohamed et al. 2021. PubMed ID: 33662488). However, this variant was also documented in one homozygous and eight heterozygous unrelated Turkish individuals with unknow phenotypes in a population-based study (Dataset S4, Kars et al. 2021. PubMed ID: 34426522). Functional studies indicate this variant results in a reduction of JAG1 ubiquitination when co-expressed with wild type MIB1 and injection of mRNA with this variant into zebrafish embryos may disrupt normal cardiac development (Luxán et al. 2013. PubMed ID: 23314057). This variant is reported in 0.054% of alleles in individuals of Latino descent in gnomAD and has conflicting interpretations of pathogenicity in ClinVar ranging from uncertain to pathogenic. At this time, the clinical significance of this variant is uncertain due to the absence of conclusive functional and genetic evidence.

CeGaT Center for Human Genetics Tuebingen
Classification: Pathogenic. Last evaluated: 2019-04-01. Review status: criteria provided, single submitter. Criteria: CeGaT Center For Human Genetics Tuebingen Variant Classification Criteria Version 2. Collection method: clinical testing. Allele origin: germline. Affected: yes. Observed: 1 variant allele.

OMIM
Classification: Pathogenic for LEFT VENTRICULAR NONCOMPACTION 7. Last evaluated: 2013-02-01. Review status: no assertion criteria provided. Collection method: literature only. Allele origin: germline. Not counted in ClinVar's aggregate classification.

Literature cited by the submitters: PubMed 23314057 (cited by OMIM).